The following is an entry in ClinVar:

ClinVar aggregate classification (germline): Likely benign. Review status: criteria provided, multiple submitters, no conflicts (2 of 4 stars). 3 submissions from 3 submitters: Likely benign (2). 1 of the submissions does not count toward it. Last evaluated 2023-05-05.

Conditions:
BTK-related disorder. Also called: BTK-related condition.
X-linked agammaglobulinemia with growth hormone deficiency (IGHD3). Also called: AGAMMAGLOBULINEMIA AND ISOLATED GROWTH HORMONE DEFICIENCY, X-LINKED; ISOLATED GROWTH HORMONE DEFICIENCY, TYPE III, WITH AGAMMAGLOBULINEMIA; Isolated growth hormone deficiency type 3; Growth hormone deficiency with hypogammaglobulinemia; FLEISHER SYNDROME; HYPOGAMMAGLOBULINEMIA AND ISOLATED GROWTH HORMONE DEFICIENCY, X-LINKED. Identifiers: Orphanet 231692, Orphanet 631, MedGen C0472813, MONDO:0010615, OMIM 307200.

Allele frequency attached by ClinVar (database versions not stated): ExAC 0.00001; gnomAD 0.00001; gnomAD exomes 0.00001.
gnomAD v4.1: 9 of 1,193,628 alleles (0.00075%); highest among the groups gnomAD compares: Non-Finnish European, 0.001%; no homozygotes.

Submissions (3):

Labcorp Genetics (formerly Invitae), Labcorp
Classification: Likely benign for X-linked agammaglobulinemia with growth hormone deficiency. Last evaluated: 2023-05-05. Review status: criteria provided, single submitter. Criteria: Invitae Variant Classification Sherloc (09022015). Collection method: clinical testing. Allele origin: germline.

Blueprint Genetics
Classification: Likely benign. Last evaluated: 2023-02-07. Review status: criteria provided, single submitter. Criteria: ACMG Guidelines, 2015. Collection method: clinical testing. Allele origin: germline.

PreventionGenetics, part of Exact Sciences
Classification: Likely benign for BTK-related condition. Last evaluated: 2024-02-13. Review status: no assertion criteria provided. Collection method: clinical testing. Allele origin: germline. Not counted in ClinVar's aggregate classification.
Comment: This variant is classified as likely benign based on ACMG/AMP sequence variant interpretation guidelines (Richards et al. 2015 PMID: 25741868, with internal and published modifications).

NM_000061.3(BTK):c.241-7A>G

Gene: BTK (Bruton tyrosine kinase; minus strand). Cytogenetic location: Xq22.1.
Variant type: single nucleotide variant.
Coding change: c.241-7A>G on transcript NM_000061.3 (MANE Select); 7 bases into the intron before coding-DNA position 241, A replaced by G.
Molecular consequence: intron variant.
Genome position (GRCh38, 1-based): chrX:101,371,708, T>C on the plus strand (A>G on the coding strand, the complement: BTK is on the minus strand). VCF-style: chrX-101371708-T-C. GRCh37 (hg19) VCF-style: chrX-100626696-T-C.
Other names: c.241-7A>G (NM_000061.2, NM_001287345.2); c.343-7A>G (NM_001287344.2).
Identifiers: ClinVar variation 2909428 (VCV002909428.6), dbSNP rs782432803, ClinGen allele CA10473212.
Genomic context (GRCh38, chrX:101,371,708, plus strand): 5'-GAACCTTTCAATGATTGAAATTTGCTCCATTTCACTGGACTCTTCACCTCTTCTCTGTAA[T>C]GAAATAAGAAAAAATGGTTATTGGTTGATGCATTGCTCTTTTCTGAATTTCCTTAGGTAC-3'